The following is an entry in ClinVar:

ClinVar aggregate classification (germline): Conflicting classifications of pathogenicity. Review status: criteria provided, conflicting classifications (1 of 4 stars). 2 submissions from 2 submitters: Likely pathogenic (1); Uncertain significance (1). Last evaluated 2023-04-27.

Conditions:
Tip-toe gait. Also called: Toe walking. Identifiers: MedGen C0427144, HP:0030051.

Allele frequency attached by ClinVar (database versions not stated): gnomAD exomes 0.00001; gnomAD 0.00002; TOPMed 0.00002.
gnomAD v4.1: 12 of 1,573,058 alleles (0.00076%); highest among the groups gnomAD compares: Non-Finnish European, 0.00095%; no homozygotes.

Submissions (2):

Practice for Gait Abnormalities, David Pomarino, Competency Network Toe Walking C/o Practice Pomarino
Classification: Likely pathogenic for Tip-toe gait. Last evaluated: 2023-04-27. Review status: criteria provided, single submitter. Criteria: Pomarino et al. (Glob Med Genet. 2023). Collection method: clinical testing. Allele origin: germline. Affected: yes.
Comment: Heterozygous SBF1 variants were identified in a cohort of children presenting with persistent toe walking and variably associated neuromuscular and musculoskeletal findings, including skeletal abnormalities, gait disturbances, and, in some individuals, developmental features. Pathogenic biallelic SBF1 variants are an established cause of autosomal recessive Charcot–Marie–Tooth disease type 4B3 (CMT4B3). The present study describes heterozygous SBF1 variants in children with persistent toe walking and provides phenotypic context for their potential clinical relevance. However, the study was exploratory and descriptive and did not establish a causal relationship between heterozygous SBF1 variants and persistent toe walking or demonstrate a definitive genotype–phenotype correlation. The authors further noted the absence of segregation/phase determination and the lack of a control cohort as important limitations. Therefore, the clinical phenotype of persistent toe walking should be considered in conjunction with variant-specific evidence when interpreting individual SBF1 variants.

Labcorp Genetics (formerly Invitae), Labcorp
Classification: Uncertain significance. Last evaluated: 2022-08-12. Review status: criteria provided, single submitter. Criteria: Invitae Variant Classification Sherloc (09022015). Collection method: clinical testing. Allele origin: germline.
Comment: This sequence change replaces glycine, which is neutral and non-polar, with arginine, which is basic and polar, at codon 1337 of the SBF1 protein (p.Gly1337Arg). This variant is present in population databases (no rsID available, gnomAD 0.001%). This variant has not been reported in the literature in individuals affected with SBF1-related conditions. Algorithms developed to predict the effect of missense changes on protein structure and function are either unavailable or do not agree on the potential impact of this missense change (SIFT: "Deleterious"; PolyPhen-2: "Possibly Damaging"; Align-GVGD: "Class C0"). In summary, the available evidence is currently insufficient to determine the role of this variant in disease. Therefore, it has been classified as a Variant of Uncertain Significance.

Literature cited by the submitters: PubMed 41737274 (cited by Practice for Gait Abnormalities, David Pomarino, Competency Network Toe Walking C/o Practice Pomarino).

NM_002972.4(SBF1):c.4009G>A (p.Gly1337Arg)

Gene: SBF1 (SET binding factor 1; minus strand). Cytogenetic location: 22q13.33.
Variant type: single nucleotide variant.
Coding change: c.4009G>A on transcript NM_002972.4 (MANE Select); coding-DNA position 4009, G replaced by A.
Protein change: p.Gly1337Arg; replaces glycine 1337 with arginine.
Molecular consequence: missense variant.
Genome position (GRCh38, 1-based): chr22:50,456,569, C>T on the plus strand (G>A on the coding strand, the complement: SBF1 is on the minus strand). VCF-style: chr22-50456569-C-T. GRCh37 (hg19) VCF-style: chr22-50894998-C-T.
Other names: c.4009G>A (NM_002972.3); c.3934G>A, p.Gly1312Arg (NM_001365819.1); c.4012G>A, p.Gly1338Arg (NM_001410794.1); c.3931G>A, p.Gly1311Arg (NM_001410795.1); c.4009G>A, p.Gly1337Arg (NM_197971.1); short protein forms G1337R, G1338R, G1312R, G1311R.
Identifiers: ClinVar variation 2070098 (VCV002070098.3), dbSNP rs1209932612, ClinGen allele CA412200280.
Genomic context (GRCh38, chr22:50,456,569, plus strand): 5'-CCCCAAGGATATAGAGGGCTGCTCGCTGCGGACGCAGGAAGCCCGGGTCGGGAGGGCCCC[C>T]GTTGGCCTGGGGTGGGGCCAGCGCGTCTCTGCCAGCTAGCCGGGAGCCCACATCGGTGCC-3'
Protein context (NP_002963.2, residues 1327-1347): RDALAPPQAN[Gly1337Arg]GPPDPGFLRP